The following is an entry in ClinVar:

ClinVar aggregate classification (germline): Uncertain significance (1 of 4 stars; one submission).

Conditions:
Neuroblastoma, susceptibility to, 3. Also called: ALK-Related Neuroblastic Tumor Susceptibility. Identifiers: Orphanet 635, MedGen C2751681, MONDO:0013083, OMIM 613014.

gnomAD v4.1: 2 of 1,614,194 alleles (0.00012%); highest among the groups gnomAD compares: Non-Finnish European, 0.000085%; no homozygotes.

Submission:

Labcorp Genetics (formerly Invitae), Labcorp
Classification: Uncertain significance for Neuroblastoma, susceptibility to, 3. Last evaluated: 2023-03-09. Review status: criteria provided, single submitter. Criteria: Invitae Variant Classification Sherloc (09022015). Collection method: clinical testing. Allele origin: germline.
Comment: This variant has not been reported in the literature in individuals affected with ALK-related conditions. An algorithm developed to predict the effect of missense changes on protein structure and function (PolyPhen-2) suggests that this variant is likely to be disruptive. This variant is not present in population databases (gnomAD no frequency). In summary, the available evidence is currently insufficient to determine the role of this variant in disease. Therefore, it has been classified as a Variant of Uncertain Significance. This sequence change replaces arginine, which is basic and polar, with leucine, which is neutral and non-polar, at codon 188 of the ALK protein (p.Arg188Leu).

NM_004304.5(ALK):c.563G>T (p.Arg188Leu)

Gene: ALK (ALK receptor tyrosine kinase; minus strand). Cytogenetic location: 2p23.1.
Variant type: single nucleotide variant.
Coding change: c.563G>T on transcript NM_004304.5 (MANE Select); coding-DNA position 563, G replaced by T.
Protein change: p.Arg188Leu; replaces arginine 188 with leucine.
Molecular consequence: missense variant.
Genome position (GRCh38, 1-based): chr2:29,920,097, C>A on the plus strand (G>T on the coding strand, the complement: ALK is on the minus strand). VCF-style: chr2-29920097-C-A. GRCh37 (hg19) VCF-style: chr2-30142963-C-A.
Other names: short protein forms R188L.
Identifiers: ClinVar variation 2912442 (VCV002912442.3), dbSNP rs770625956, ClinGen allele CA346589791.